The following is an entry in ClinVar:

ClinVar aggregate classification (germline): Uncertain significance (1 of 4 stars; one submission).

Conditions:
Nemaline myopathy 8 (NEM8). Also called: Nemaline myopathy 8, autosomal recessive. Identifiers: Orphanet 171430, MedGen C3809209, MONDO:0014138, OMIM 615348.

gnomAD v4.1: 3 of 1,612,442 alleles (0.00019%); highest among the groups gnomAD compares: East Asian, 0.0022%; no homozygotes.

Submission:

Labcorp Genetics (formerly Invitae), Labcorp
Classification: Uncertain significance for Nemaline myopathy 8. Last evaluated: 2024-06-03. Review status: criteria provided, single submitter. Criteria: Invitae Variant Classification Sherloc (09022015). Collection method: clinical testing. Allele origin: germline.
Comment: This sequence change replaces proline, which is neutral and non-polar, with leucine, which is neutral and non-polar, at codon 66 of the KLHL40 protein (p.Pro66Leu). This variant is present in population databases (rs200810691, gnomAD 0.006%). This variant has not been reported in the literature in individuals affected with KLHL40-related conditions. ClinVar contains an entry for this variant (Variation ID: 1391112). Advanced modeling of protein sequence and biophysical properties (such as structural, functional, and spatial information, amino acid conservation, physicochemical variation, residue mobility, and thermodynamic stability) performed at Invitae indicates that this missense variant is not expected to disrupt KLHL40 protein function with a negative predictive value of 80%. In summary, the available evidence is currently insufficient to determine the role of this variant in disease. Therefore, it has been classified as a Variant of Uncertain Significance.

NM_152393.4(KLHL40):c.197C>T (p.Pro66Leu)

Gene: KLHL40 (kelch like family member 40; plus strand). Cytogenetic location: 3p22.1.
Variant type: single nucleotide variant.
Coding change: c.197C>T on transcript NM_152393.4 (MANE Select); coding-DNA position 197, C replaced by T.
Protein change: p.Pro66Leu; replaces proline 66 with leucine.
Molecular consequence: missense variant.
Genome position (GRCh38, 1-based): chr3:42,685,815, C>T. VCF-style: chr3-42685815-C-T. GRCh37 (hg19) VCF-style: chr3-42727307-C-T.
Other names: short protein forms P66L.
Identifiers: ClinVar variation 1391112 (VCV001391112.5), dbSNP rs200810691, ClinGen allele CA2336592.